The following is an entry in ClinVar:

NM_002381.5(MATN3):c.326T>A (p.Ile109Lys)

Gene: MATN3 (matrilin 3; minus strand). Cytogenetic location: 2p24.1.
Variant type: single nucleotide variant.
Coding change: c.326T>A on transcript NM_002381.5 (MANE Select); coding-DNA position 326, T replaced by A.
Protein change: p.Ile109Lys; replaces isoleucine 109 with lysine.
Molecular consequence: missense variant.
Genome position (GRCh38, 1-based): chr2:20,006,208, A>T on the plus strand (T>A on the coding strand, the complement: MATN3 is on the minus strand). VCF-style: chr2-20006208-A-T. GRCh37 (hg19) VCF-style: chr2-20205969-A-T.
Other names: short protein forms I109K.
Identifiers: ClinVar variation 1695676 (VCV001695676.7), dbSNP rs2103484126, ClinGen allele CA345951325.
Genomic context (GRCh38, chr2:20,006,208, plus strand): 5'-CTAGCATAGTTCACCACTGCCACCCGCGTGTCGGCTGGCCCAATGTCCAGAGTGTCGATT[A>T]TCCGGGAGACAAAAGTTTTCACTTTGGTGAATTCCAGGGGCCGTACGCTACGAGAACTAT-3'
Protein context (NP_002372.1, residues 99-119): FTKVKTFVSR[Ile109Lys]IDTLDIGPAD

ClinVar aggregate classification (germline): Uncertain significance. Review status: criteria provided, multiple submitters, no conflicts (2 of 4 stars). 2 submissions from 2 submitters: Uncertain significance (2). Last evaluated 2022-05-16.

Submissions (2):

Labcorp Genetics (formerly Invitae), Labcorp
Classification: Uncertain significance. Last evaluated: 2022-05-16. Review status: criteria provided, single submitter. Criteria: Invitae Variant Classification Sherloc (09022015). Collection method: clinical testing. Allele origin: germline.
Comment: This sequence change replaces isoleucine, which is neutral and non-polar, with lysine, which is basic and polar, at codon 109 of the MATN3 protein (p.Ile109Lys). This variant is not present in population databases (gnomAD no frequency). This variant has not been reported in the literature in individuals affected with MATN3-related conditions. Algorithms developed to predict the effect of missense changes on protein structure and function (SIFT, PolyPhen-2, Align-GVGD) all suggest that this variant is likely to be disruptive. In summary, the available evidence is currently insufficient to determine the role of this variant in disease. Therefore, it has been classified as a Variant of Uncertain Significance.

GeneDx
Classification: Uncertain significance. Last evaluated: 2022-01-10. Review status: criteria provided, single submitter. Criteria: GeneDx Variant Classification Process June 2021. Collection method: clinical testing. Allele origin: germline. Affected: yes.
Comment: Not observed at significant frequency in large population cohorts (gnomAD); In silico analysis supports that this missense variant has a deleterious effect on protein structure/function; Observed in a family segregating an autosomal dominant form of multiple epiphyseal dysplasia (Balasubramanian, 2017); the variant was present in all affected individuals as well as observed in three unaffected family members; This variant is associated with the following publications: (PMID: Balasubramanian2017[Dissertation])